The following is an entry in ClinVar:

ClinVar aggregate classification (germline): Uncertain significance (1 of 4 stars; one submission).

Submission:

Labcorp Genetics (formerly Invitae), Labcorp
Classification: Uncertain significance. Last evaluated: 2025-06-27. Review status: criteria provided, single submitter. Criteria: Invitae Variant Classification Sherloc (09022015). Collection method: clinical testing. Allele origin: germline.
Comment: This sequence change creates a premature translational stop signal (p.Val336Phefs*6) in the MOCS3 gene. While this is not anticipated to result in nonsense mediated decay, it is expected to disrupt the last 125 amino acid(s) of the MOCS3 protein. This variant is not present in population databases (gnomAD no frequency). This variant has not been reported in the literature in individuals affected with MOCS3-related conditions. Experimental studies and prediction algorithms are not available or were not evaluated, and the functional significance of this variant is currently unknown. In summary, the available evidence is currently insufficient to determine the role of this variant in disease. Therefore, it has been classified as a Variant of Uncertain Significance.

NM_014484.5(MOCS3):c.1006_1007del (p.Val336fs)

Gene: MOCS3 (molybdenum cofactor synthesis 3; plus strand). Cytogenetic location: 20q13.13.
Variant type: Microsatellite.
Coding change: c.1006_1007del on transcript NM_014484.5 (MANE Select); coding-DNA positions 1006 to 1007, 2 bases deleted (GT; older notation c.1006_1007delGT).
Protein change: p.Val336fs; shifts the reading frame from valine 336.
Molecular consequence: frameshift variant.
Genome position (GRCh38, 1-based): chr20:50,959,848-50,959,849, GT deleted; deleting any 2 consecutive bases within chr20:50,959,846-50,959,849 gives the same sequence; the c. name uses the placement nearest the transcript's 3' end. VCF-style (leftmost placement, unchanged base first): chr20-50959845-CGT-C. GRCh37 (hg19) VCF-style: chr20-49576382-CGT-C.
Other names: short protein forms V336fs.
Identifiers: ClinVar variation 4777535 (VCV004777535.1).
Genomic context (GRCh38, chr20:50,959,845, plus strand): 5'-TTCTGTGGCTCCTCAGCCACTGATAAATGCCGCTCCCTGCAACTACTGAGCCCAGAGGAG[CGT>C]GTTTCTGTCACCGACTATAAGCGACTGCTGGATTCTGGGGCATTCCACCTGTTGCTGGAC-3'